The following is an entry in ClinVar:

NM_002017.5(FLI1):c.1330G>A (p.Val444Met)

Gene: FLI1 (Fli-1 proto-oncogene, ETS transcription factor; plus strand). Cytogenetic location: 11q24.3.
Variant type: single nucleotide variant.
Coding change: c.1330G>A on transcript NM_002017.5 (MANE Select); coding-DNA position 1330, G replaced by A.
Protein change: p.Val444Met; replaces valine 444 with methionine.
Molecular consequence: missense variant.
Genome position (GRCh38, 1-based): chr11:128,810,959, G>A. VCF-style: chr11-128810959-G-A. GRCh37 (hg19) VCF-style: chr11-128680854-G-A.
Other names: c.1231G>A, p.Val411Met (NM_001167681.3); c.1132G>A, p.Val378Met (NM_001271010.2); c.751G>A, p.Val251Met (NM_001271012.2); short protein forms V251M, V411M, V378M, V444M.
Identifiers: ClinVar variation 2327128 (VCV002327128.5), dbSNP rs371183121, ClinGen allele CA6357349.
Genomic context (GRCh38, chr11:128,810,959, plus strand): 5'-ACCTCCCCCACGGGGGGAATCTACCCCAACCCCAACGTCCCCCGCCATCCTAACACCCAC[G>A]TGCCTTCACACTTAGGCAGCTACTACTAGAAGCTTACTCATCAGTGGCCTTCTAGCTGAA-3'
Protein context (NP_002008.2, residues 434-452): PNVPRHPNTH[Val444Met]PSHLGSYY

ClinVar aggregate classification (germline): Uncertain significance. Review status: criteria provided, multiple submitters, no conflicts (2 of 4 stars). 2 submissions from 2 submitters: Uncertain significance (2). Last evaluated 2025-07-02.

Conditions:
Inborn genetic diseases. Identifiers: MedGen C0950123, MeSH D030342.

Allele frequency attached by ClinVar (database versions not stated): TOPMed 0.00003; gnomAD 0.00004; ExAC 0.00003; ESP Exome Variant Server 0.00008.
gnomAD v4.1: 26 of 1,613,818 alleles (0.0016%); highest among the groups gnomAD compares: African/African-American, 0.004%; no homozygotes.

Submissions (2):

Labcorp Genetics (formerly Invitae), Labcorp
Classification: Uncertain significance. Last evaluated: 2025-07-02. Review status: criteria provided, single submitter. Criteria: Invitae Variant Classification Sherloc (09022015). Collection method: clinical testing. Allele origin: germline.
Comment: This sequence change replaces valine, which is neutral and non-polar, with methionine, which is neutral and non-polar, at codon 444 of the FLI1 protein (p.Val444Met). This variant is present in population databases (rs371183121, gnomAD 0.006%). This variant has not been reported in the literature in individuals affected with FLI1-related conditions. ClinVar contains an entry for this variant (Variation ID: 2327128). Invitae Evidence Modeling of protein sequence and biophysical properties (such as structural, functional, and spatial information, amino acid conservation, physicochemical variation, residue mobility, and thermodynamic stability) indicates that this missense variant is not expected to disrupt FLI1 protein function with a negative predictive value of 80%. In summary, the available evidence is currently insufficient to determine the role of this variant in disease. Therefore, it has been classified as a Variant of Uncertain Significance.

Ambry Genetics
Classification: Uncertain significance for Inborn genetic diseases. Last evaluated: 2022-11-17. Review status: criteria provided, single submitter. Criteria: Ambry Variant Classification Scheme 2023. Collection method: clinical testing. Allele origin: germline.